The following is an entry in ClinVar:

NM_001085487.3(MYSM1):c.2293T>G (p.Phe765Val)

Gene: MYSM1 (Myb like, SWIRM and MPN domains 1; minus strand). Cytogenetic location: 1p32.1.
Variant type: single nucleotide variant.
Coding change: c.2293T>G on transcript NM_001085487.3 (MANE Select); coding-DNA position 2293, T replaced by G.
Protein change: p.Phe765Val; replaces phenylalanine 765 with valine.
Molecular consequence: missense variant.
Genome position (GRCh38, 1-based): chr1:58,661,205, A>C on the plus strand (T>G on the coding strand, the complement: MYSM1 is on the minus strand). VCF-style: chr1-58661205-A-C. GRCh37 (hg19) VCF-style: chr1-59126877-A-C.
Other names: short protein forms F765V.
Identifiers: ClinVar variation 4771703 (VCV004771703.1).

ClinVar aggregate classification (germline): Uncertain significance (1 of 4 stars; one submission).

Submission:

Labcorp Genetics (formerly Invitae), Labcorp
Classification: Uncertain significance. Last evaluated: 2025-09-15. Review status: criteria provided, single submitter. Criteria: Invitae Variant Classification Sherloc (09022015). Collection method: clinical testing. Allele origin: germline.
Comment: This sequence change replaces phenylalanine, which is neutral and non-polar, with valine, which is neutral and non-polar, at codon 765 of the MYSM1 protein (p.Phe765Val). This variant is not present in population databases (gnomAD no frequency). This variant has not been reported in the literature in individuals affected with MYSM1-related conditions. Invitae Evidence Modeling of protein sequence and biophysical properties (such as structural, functional, and spatial information, amino acid conservation, physicochemical variation, residue mobility, and thermodynamic stability) indicates that this missense variant is expected to disrupt MYSM1 protein function with a positive predictive value of 80%. In summary, the available evidence is currently insufficient to determine the role of this variant in disease. Therefore, it has been classified as a Variant of Uncertain Significance.